The following is an entry in ClinVar:

ClinVar aggregate classification (germline): Likely pathogenic (1 of 4 stars; one submission).

Submission:

Labcorp Genetics (formerly Invitae), Labcorp
Classification: Likely pathogenic. Last evaluated: 2024-01-14. Review status: criteria provided, single submitter. Criteria: Invitae Variant Classification Sherloc (09022015). Collection method: clinical testing. Allele origin: germline.
Comment: This sequence change affects a donor splice site in intron 7 of the GNPTG gene. It is expected to disrupt RNA splicing. Variants that disrupt the donor or acceptor splice site typically lead to a loss of protein function (PMID: 16199547), and loss-of-function variants in GNPTG are known to be pathogenic (PMID: 19370764, 20301784). This variant is not present in population databases (gnomAD no frequency). This variant has not been reported in the literature in individuals affected with GNPTG-related conditions. Algorithms developed to predict the effect of sequence changes on RNA splicing suggest that this variant may disrupt the consensus splice site. In summary, the currently available evidence indicates that the variant is pathogenic, but additional data are needed to prove that conclusively. Therefore, this variant has been classified as Likely Pathogenic.

Literature cited by the submitters: PubMed 16199547; PubMed 19370764; PubMed 20301784.

NM_032520.5(GNPTG):c.526+1G>C

Gene: GNPTG (N-acetylglucosamine-1-phosphate transferase subunit gamma; plus strand). Cytogenetic location: 16p13.3.
Variant type: single nucleotide variant.
Coding change: c.526+1G>C on transcript NM_032520.5 (MANE Select); the canonical splice donor site of the intron after coding-DNA position 526, G replaced by C.
Molecular consequence: splice donor variant.
Genome position (GRCh38, 1-based): chr16:1,362,321, G>C. VCF-style: chr16-1362321-G-C. GRCh37 (hg19) VCF-style: chr16-1412322-G-C.
Identifiers: ClinVar variation 2709380 (VCV002709380.3), dbSNP rs2548190157, ClinGen allele CA394187964.